The following is an entry in ClinVar:

NM_022051.3(EGLN1):c.757G>A (p.Gly253Ser)

Gene: EGLN1 (egl-9 family hypoxia inducible factor 1; minus strand). Cytogenetic location: 1q42.2.
Variant type: single nucleotide variant.
Coding change: c.757G>A on transcript NM_022051.3 (MANE Select); coding-DNA position 757, G replaced by A.
Protein change: p.Gly253Ser; replaces glycine 253 with serine.
Molecular consequence: missense variant.
Genome position (GRCh38, 1-based): chr1:231,421,132, C>T on the plus strand (G>A on the coding strand, the complement: EGLN1 is on the minus strand). VCF-style: chr1-231421132-C-T. GRCh37 (hg19) VCF-style: chr1-231556878-C-T.
Other names: c.757G>A, p.Gly253Ser (NM_001377260.1, NM_001377261.1); short protein forms G253S.
Identifiers: ClinVar variation 1759613 (VCV001759613.3), dbSNP rs2527358682, ClinGen allele CA345235418.

ClinVar aggregate classification (germline): Uncertain significance (1 of 4 stars; one submission).

Submission:

Ambry Genetics
Classification: Uncertain significance. Last evaluated: 2024-11-11. Review status: criteria provided, single submitter. Criteria: Ambry Variant Classification Scheme 2023. Collection method: clinical testing. Allele origin: germline.
Comment: The p.G253S variant (also known as c.757G>A), located in coding exon 1 of the EGLN1 gene, results from a G to A substitution at nucleotide position 757. The glycine at codon 253 is replaced by serine, an amino acid with similar properties. This amino acid position is conserved. In addition, this alteration is predicted to be tolerated by in silico analysis. Since supporting evidence is limited at this time, the clinical significance of this alteration remains unclear.